The following is an entry in ClinVar:

ClinVar aggregate classification (germline): Uncertain significance. Review status: criteria provided, multiple submitters, no conflicts (2 of 4 stars). 2 submissions from 2 submitters: Uncertain significance (2). Last evaluated 2023-08-10.

Conditions:
Inborn genetic diseases. Identifiers: MedGen C0950123, MeSH D030342.
Lissencephaly 9 with complex brainstem malformation. Identifiers: Orphanet 572013, MedGen C5193029, MONDO:0032677, OMIM 618325.

Allele frequency attached by ClinVar (database versions not stated): gnomAD exomes below 0.00001; TOPMed below 0.00001.
gnomAD v4.1: 4 of 1,613,892 alleles (0.00025%); highest among the groups gnomAD compares: South Asian, 0.0033%; no homozygotes.

Submissions (2):

Ambry Genetics
Classification: Uncertain significance for Inborn genetic diseases. Last evaluated: 2023-08-10. Review status: criteria provided, single submitter. Criteria: Ambry Variant Classification Scheme 2023. Collection method: clinical testing. Allele origin: germline.

New York Genome Center
Classification: Uncertain significance for Lissencephaly 9 with complex brainstem malformation. Last evaluated: 2021-03-12. Review status: criteria provided, single submitter. Criteria: NYGC Assertion Criteria 2020. Collection method: clinical testing. Allele origin: inherited. Observed: 1 heterozygote. Study: CSER-NYCKidSeq.
Comment: The inherited heterozygous c.14414G>A (p.Arg4805Gln) variant identified in the MACF1 gene has not been reported in affected individuals in the literature. The variant is absent from gnomAD(v3) database suggesting it is not a common benign variant in the populations represented in that database. The variant affects an evolutionarily conserved residue and is predicted deleterious by multiple in silico prediction tools (REVEL score= 0.521, CADD score = 32). Functional studies to evaluate the potential consequences of this variant on normal functioning of MACF1 have not been reported. Due to lack of compelling evidence, the inherited heterozygousc.14414G>A (p.Arg4805Gln) variant identified in the MACF1 gene is reported as a variant of uncertain significance.

NM_001394062.1(MACF1):c.20591G>A (p.Arg6864Gln)

Gene: MACF1 (microtubule actin crosslinking factor 1; plus strand). Cytogenetic location: 1p34.3.
Variant type: single nucleotide variant.
Coding change: c.20591G>A on transcript NM_001394062.1 (MANE Select); coding-DNA position 20591, G replaced by A.
Protein change: p.Arg6864Gln; replaces arginine 6864 with glutamine.
Molecular consequence: missense variant.
Genome position (GRCh38, 1-based): chr1:39,452,328, G>A. VCF-style: chr1-39452328-G-A. GRCh37 (hg19) VCF-style: chr1-39918000-G-A.
Other names: c.14414G>A, p.Arg4805Gln (NM_012090.5); c.14414G>A (NM_012090.4); short protein forms R4805Q, R6864Q.
Identifiers: ClinVar variation 1342415 (VCV001342415.3), dbSNP rs1399990361, ClinGen allele CA339826063.